The following is an entry in ClinVar:

ClinVar aggregate classification (germline): Uncertain significance. Review status: criteria provided, multiple submitters, no conflicts (2 of 4 stars). 3 submissions from 3 submitters: Uncertain significance (2). 1 of the submissions does not count toward it. Last evaluated 2025-06-28.

Conditions:
AGL-related disorder. Also called: AGL-related condition.
Glycogen storage disease type III (GSD3). Also called: FORBES DISEASE; Cori disease. Identifiers: Orphanet 366, MedGen C0017922, MONDO:0009291, OMIM 232400.

Allele frequency attached by ClinVar (database versions not stated): gnomAD exomes 0.00003; ExAC 0.00004; TOPMed 0.00009; ESP Exome Variant Server 0.00015.
gnomAD v4.1: 22 of 1,613,898 alleles (0.0014%); highest among the groups gnomAD compares: African/African-American, 0.028%; no homozygotes.

Submissions (3):

PreventionGenetics, part of Exact Sciences
Classification: Uncertain significance for AGL-related condition. Last evaluated: 2025-06-28. Review status: criteria provided, single submitter. Criteria: ACMG Guidelines, 2015. Collection method: clinical testing. Allele origin: germline.
Comment: The AGL c.1864A>C variant is predicted to result in the amino acid substitution p.Met622Leu. To our knowledge, this variant has not been reported in the literature. This variant is reported in 0.052% of alleles in individuals of African descent in gnomAD. Although we suspect that this variant may be benign, at this time, the clinical significance of this variant is uncertain due to the absence of conclusive functional and genetic evidence.

Labcorp Genetics (formerly Invitae), Labcorp
Classification: Uncertain significance for Glycogen storage disease type III. Last evaluated: 2022-04-12. Review status: criteria provided, single submitter. Criteria: Invitae Variant Classification Sherloc (09022015). Collection method: clinical testing. Allele origin: germline.
Comment: This sequence change replaces methionine, which is neutral and non-polar, with leucine, which is neutral and non-polar, at codon 622 of the AGL protein (p.Met622Leu). This variant is present in population databases (rs145517369, gnomAD 0.05%). This variant has not been reported in the literature in individuals affected with AGL-related conditions. ClinVar contains an entry for this variant (Variation ID: 968776). Algorithms developed to predict the effect of missense changes on protein structure and function (SIFT, PolyPhen-2, Align-GVGD) all suggest that this variant is likely to be tolerated. In summary, the available evidence is currently insufficient to determine the role of this variant in disease. Therefore, it has been classified as a Variant of Uncertain Significance.

Natera, Inc.
Classification: Uncertain significance for Glycogen storage disease type III. Last evaluated: 2021-06-29. Review status: no assertion criteria provided. Collection method: clinical testing. Allele origin: germline. Not counted in ClinVar's aggregate classification.

NM_000642.3(AGL):c.1864A>C (p.Met622Leu)

Gene: AGL (amylo-alpha-1,6-glucosidase and 4-alpha-glucanotransferase; plus strand). Cytogenetic location: 1p21.2.
Variant type: single nucleotide variant.
Coding change: c.1864A>C on transcript NM_000642.3 (MANE Select); coding-DNA position 1864, A replaced by C.
Protein change: p.Met622Leu; replaces methionine 622 with leucine.
Molecular consequence: missense variant.
Genome position (GRCh38, 1-based): chr1:99,880,760, A>C. VCF-style: chr1-99880760-A-C. GRCh37 (hg19) VCF-style: chr1-100346316-A-C.
Other names: c.1864A>C, p.Met622Leu (NM_000028.3, NM_000643.3, NM_000644.3 and 2 more transcripts); c.1816A>C, p.Met606Leu (NM_000646.3); c.1663A>C, p.Met555Leu (NM_001425327.1); c.1660A>C, p.Met554Leu (NM_001425328.1, NM_001425329.1); c.1486A>C, p.Met496Leu (NM_001425332.1); short protein forms M606L, M622L, M496L, M554L, M555L.
Identifiers: ClinVar variation 968776 (VCV000968776.9), dbSNP rs145517369, ClinGen allele CA966607.